The following is an entry in ClinVar:

NM_001374736.1(DST):c.15326C>T (p.Ala5109Val)

Gene: DST (dystonin; minus strand). Cytogenetic location: 6p12.1.
Variant type: single nucleotide variant.
Coding change: c.15326C>T on transcript NM_001374736.1 (MANE Select); coding-DNA position 15326, C replaced by T.
Protein change: p.Ala5109Val; replaces alanine 5109 with valine.
Molecular consequence: missense variant.
Genome position (GRCh38, 1-based): chr6:56,553,466, G>A on the plus strand (C>T on the coding strand, the complement: DST is on the minus strand). VCF-style: chr6-56553466-G-A. GRCh37 (hg19) VCF-style: chr6-56418264-G-A.
Other names: c.8969C>T, p.Ala2990Val (NM_001144769.5); c.8555C>T, p.Ala2852Val (NM_001144770.2); c.15326C>T, p.Ala5109Val (NM_001374722.1); c.14693C>T, p.Ala4898Val (NM_001374729.1); c.8435C>T, p.Ala2812Val (NM_001374730.1, NM_001386100.1, NM_183380.4); c.15353C>T, p.Ala5118Val (NM_001374734.1); c.7457C>T, p.Ala2486Val (NM_015548.5); short protein forms A2486V, A2990V, A2852V, A5109V, A2812V, A5118V, A4898V.
Identifiers: ClinVar variation 1976025 (VCV001976025.4), dbSNP rs1333885530, ClinGen allele CA364517375.

ClinVar aggregate classification (germline): Uncertain significance (1 of 4 stars; one submission).

Conditions:
Hereditary sensory and autonomic neuropathy type 6. Also called: Neuropathy, hereditary sensory and autonomic, type VI; HSAN VI. Identifiers: Orphanet 314381, MedGen C3539003, MONDO:0013839, OMIM 614653.
Epidermolysis bullosa simplex 3, localized or generalized intermediate, with BP230 deficiency (EBS3). Also called: Epidermolysis bullosa simplex, autosomal recessive 2; Epidermolysis bullosa simplex due to BP230 deficiency. Identifiers: Orphanet 412181, MedGen C3809470, MONDO:0014180, OMIM 615425.

Allele frequency attached by ClinVar (database versions not stated): TOPMed below 0.00001; gnomAD 0.00001; gnomAD exomes 0.00001.
gnomAD v4.1: 8 of 1,613,020 alleles (0.0005%); highest among the groups gnomAD compares: Non-Finnish European, 0.00068%; no homozygotes.

Submission:

Labcorp Genetics (formerly Invitae), Labcorp
Classification: Uncertain significance for Epidermolysis bullosa simplex 3, localized or generalized intermediate, with BP230 deficiency; Hereditary sensory and autonomic neuropathy type 6. Last evaluated: 2022-02-19. Review status: criteria provided, single submitter. Criteria: Invitae Variant Classification Sherloc (09022015). Collection method: clinical testing. Allele origin: germline.
Comment: Experimental studies and prediction algorithms are not available or were not evaluated, and the functional significance of this variant is currently unknown. In summary, the available evidence is currently insufficient to determine the role of this variant in disease. Therefore, it has been classified as a Variant of Uncertain Significance. This variant has not been reported in the literature in individuals affected with DST-related conditions. The DST gene has multiple clinically relevant transcripts. This variant occurs in alternate transcript NM_015548.4, and corresponds to NM_001723.5:c.*62051C>T in the primary transcript. This sequence change replaces alanine, which is neutral and non-polar, with valine, which is neutral and non-polar, at codon 2486 of the DST protein (p.Ala2486Val). This variant is present in population databases (no rsID available, gnomAD 0.0009%).